The following is an entry in ClinVar:

NM_005236.3(ERCC4):c.*3439G>A

Gene: ERCC4 (ERCC excision repair 4, endonuclease catalytic subunit; plus strand). Cytogenetic location: 16p13.12.
Variant type: single nucleotide variant.
Coding change: c.*3439G>A on transcript NM_005236.3 (MANE Select); 3439 bases downstream of the stop codon, G replaced by A.
Molecular consequence: 3 prime UTR variant.
Genome position (GRCh38, 1-based): chr16:13,951,786, G>A. VCF-style: chr16-13951786-G-A. GRCh37 (hg19) VCF-style: chr16-14045643-G-A.
Identifiers: ClinVar variation 317871 (VCV000317871.5), dbSNP rs192113185, ClinGen allele CA10637091.

ClinVar aggregate classification (germline): Likely benign (1 of 4 stars; one submission).

Conditions:
Xeroderma pigmentosum, group F (XPF). Also called: XERODERMA PIGMENTOSUM, COMPLEMENTATION GROUP F; XERODERMA PIGMENTOSUM VI; XP, GROUP F; ERCC4-Related Xeroderma Pigmentosum; XERODERMA PIGMENTOSUM, TYPE F; Xeroderma pigmentosum, type 6. Identifiers: MedGen C0268140, MONDO:0010215, OMIM 278760.

Allele frequency attached by ClinVar (database versions not stated): 1000 Genomes Project 0.00100; 1000 Genomes Project 30x 0.00141; TOPMed 0.00223; gnomAD 0.00294 and 0.00297; gnomAD exomes 0.00313.
gnomAD v4.1: 656 of 221,580 alleles (0.3%); highest among the groups gnomAD compares: Middle Eastern, 0.42%; 2 homozygotes.

Submission:

Illumina Laboratory Services, Illumina
Classification: Likely benign for Xeroderma pigmentosum, group F. Last evaluated: 2018-01-13. Review status: criteria provided, single submitter. Criteria: ICSL Variant Classification Criteria 13 December 2019. Collection method: clinical testing. Allele origin: germline.
Comment: This variant was observed in the ICSL laboratory as part of a predisposition screen in an ostensibly healthy population. It had not been previously curated by ICSL or reported in the Human Gene Mutation Database (HGMD: prior to June 1st, 2018), and was therefore a candidate for classification through an automated scoring system. Utilizing variant allele frequency, disease prevalence and penetrance estimates, and inheritance mode, an automated score was calculated to assess if this variant is too frequent to cause the disease. Based on the score and internal cut-off values, a variant classified as likely benign is not then subjected to further curation. The score for this variant resulted in a classification of likely benign for this disease.